The following is an entry in ClinVar:

ClinVar aggregate classification (germline): Likely pathogenic (1 of 4 stars; one submission).

Conditions:
Joubert syndrome 8 (JBTS8). Identifiers: Orphanet 475, MedGen C2676771, MONDO:0012855, OMIM 612291.

Submission:

Labcorp Genetics (formerly Invitae), Labcorp
Classification: Likely pathogenic for Joubert syndrome 8. Last evaluated: 2025-05-27. Review status: criteria provided, single submitter. Criteria: Invitae Variant Classification Sherloc (09022015). Collection method: clinical testing. Allele origin: germline.
Comment: This sequence change replaces arginine, which is basic and polar, with tryptophan, which is neutral and slightly polar, at codon 79 of the ARL13B protein (p.Arg79Trp). This variant is present in population databases (rs767393160, gnomAD 0.005%). This missense change has been observed in individual(s) with Joubert syndrome (PMID: 35858853). Invitae Evidence Modeling of protein sequence and biophysical properties (such as structural, functional, and spatial information, amino acid conservation, physicochemical variation, residue mobility, and thermodynamic stability) indicates that this missense variant is expected to disrupt ARL13B protein function with a positive predictive value of 80%. This variant disrupts the p.Arg79 amino acid residue in ARL13B. Other variant(s) that disrupt this residue have been determined to be pathogenic (PMID: 18674751, 24168557). This suggests that this residue is clinically significant, and that variants that disrupt this residue are likely to be disease-causing. In summary, the currently available evidence indicates that the variant is pathogenic, but additional data are needed to prove that conclusively. Therefore, this variant has been classified as Likely Pathogenic.

Literature cited by the submitters: PubMed 35858853; PubMed 18674751; PubMed 24168557.

NM_001174150.2(ARL13B):c.235C>T (p.Arg79Trp)

Gene: ARL13B (ARF like GTPase 13B; plus strand). Cytogenetic location: 3q11.2.
Variant type: single nucleotide variant.
Coding change: c.235C>T on transcript NM_001174150.2 (MANE Select); coding-DNA position 235, C replaced by T.
Protein change: p.Arg79Trp; replaces arginine 79 with tryptophan.
Molecular consequence: missense variant. On other transcripts: 5 prime UTR variant (1), intron variant (2).
Genome position (GRCh38, 1-based): chr3:94,003,763, C>T. VCF-style: chr3-94003763-C-T. GRCh37 (hg19) VCF-style: chr3-93722607-C-T.
Other names: c.-75C>T (NM_001174151.2); c.190C>T, p.Arg64Trp (NM_001321328.2); c.235C>T, p.Arg79Trp (NM_001410782.1, NM_182896.3); c.59+23281C>T (NM_144996.4, NM_001437443.1); short protein forms R79W, R64W.
Identifiers: ClinVar variation 4753888 (VCV004753888.1).
Genomic context (GRCh38, chr3:94,003,763, plus strand): 5'-AACCTTAGACAAGGAAAGTTTGAAGTCACCATCTTTGACTTGGGAGGTGGAATAAGAATT[C>T]GGGGAATCTGGAAGAATTACTATGCTGAATCCTATGGGGTAATATTTGTTGTGGATTCCA-3'
Protein context (NP_001167621.1, residues 69-89): IFDLGGGIRI[Arg79Trp]GIWKNYYAES